The following is an entry in ClinVar:

ClinVar aggregate classification (germline): Uncertain significance. Review status: criteria provided, multiple submitters, no conflicts (2 of 4 stars). 2 submissions from 2 submitters: Uncertain significance (2). Last evaluated 2023-01-10.

Allele frequency attached by ClinVar (database versions not stated): TOPMed 0.00002.
gnomAD v4.1: 32 of 1,613,110 alleles (0.002%); highest among the groups gnomAD compares: Non-Finnish European, 0.0024%; no homozygotes.

Submissions (2):

Blueprint Genetics
Classification: Uncertain significance. Last evaluated: 2023-01-10. Review status: criteria provided, single submitter. Criteria: ACMG Guidelines, 2015. Collection method: clinical testing. Allele origin: germline.

Labcorp Genetics (formerly Invitae), Labcorp
Classification: Uncertain significance. Last evaluated: 2022-06-08. Review status: criteria provided, single submitter. Criteria: Invitae Variant Classification Sherloc (09022015). Collection method: clinical testing. Allele origin: germline.
Comment: This sequence change replaces proline, which is neutral and non-polar, with leucine, which is neutral and non-polar, at codon 726 of the COL18A1 protein (p.Pro726Leu). This variant is present in population databases (rs758130407, gnomAD 0.003%). This variant has not been reported in the literature in individuals affected with COL18A1-related conditions. Experimental studies and prediction algorithms are not available or were not evaluated, and the functional significance of this variant is currently unknown. In summary, the available evidence is currently insufficient to determine the role of this variant in disease. Therefore, it has been classified as a Variant of Uncertain Significance.

NM_001379500.1(COL18A1):c.2177C>T (p.Pro726Leu)

Gene: COL18A1 (collagen type XVIII alpha 1 chain; plus strand). Cytogenetic location: 21q22.3.
Variant type: single nucleotide variant.
Coding change: c.2177C>T on transcript NM_001379500.1 (MANE Select); coding-DNA position 2177, C replaced by T.
Protein change: p.Pro726Leu; replaces proline 726 with leucine.
Molecular consequence: missense variant.
Genome position (GRCh38, 1-based): chr21:45,492,554, C>T. VCF-style: chr21-45492554-C-T. GRCh37 (hg19) VCF-style: chr21-46912468-C-T.
Other names: c.2717C>T, p.Pro906Leu (NM_030582.4); c.3422C>T, p.Pro1141Leu (NM_130444.3); short protein forms P906L, P1141L, P726L.
Identifiers: ClinVar variation 1525578 (VCV001525578.4), dbSNP rs758130407, ClinGen allele CA10066872.